The following is an entry in ClinVar:

ClinVar aggregate classification (germline): Uncertain significance (1 of 4 stars; one submission).

Conditions:
Hereditary cancer-predisposing syndrome. Also called: Hereditary neoplastic syndrome; Hereditary Cancer Syndrome; Neoplastic Syndromes, Hereditary; Tumor predisposition. Identifiers: Orphanet 140162, MedGen C0027672, MeSH D009386, MONDO:0015356.

Submission:

Ambry Genetics
Classification: Uncertain significance for Hereditary cancer-predisposing syndrome. Last evaluated: 2023-05-31. Review status: criteria provided, single submitter. Criteria: Ambry Variant Classification Scheme 2023. Collection method: clinical testing. Allele origin: germline.
Comment: The p.G614E variant (also known as c.1841G>A), located in coding exon 12 of the PDGFRA gene, results from a G to A substitution at nucleotide position 1841. The glycine at codon 614 is replaced by glutamic acid, an amino acid with similar properties. This amino acid position is conserved. In addition, this alteration is predicted to be deleterious by in silico analysis. Since supporting evidence is limited at this time, the clinical significance of this alteration remains unclear.

NM_006206.6(PDGFRA):c.1841G>A (p.Gly614Glu)

Gene: PDGFRA (platelet derived growth factor receptor alpha; plus strand). Cytogenetic location: 4q12.
Variant type: single nucleotide variant.
Coding change: c.1841G>A on transcript NM_006206.6 (MANE Select); coding-DNA position 1841, G replaced by A.
Protein change: p.Gly614Glu; replaces glycine 614 with glutamic acid.
Molecular consequence: missense variant.
Genome position (GRCh38, 1-based): chr4:54,277,442, G>A. VCF-style: chr4-54277442-G-A. GRCh37 (hg19) VCF-style: chr4-55143609-G-A.
Other names: c.1841G>A, p.Gly614Glu (NM_001347827.2, NM_001347829.2); c.1880G>A, p.Gly627Glu (NM_001347830.2); c.1916G>A, p.Gly639Glu (NM_001347828.2); short protein forms G614E, G627E, G639E.
Identifiers: ClinVar variation 2568090 (VCV002568090.2), dbSNP rs1452541160, ClinGen allele CA356893440.